The following is an entry in ClinVar:

NM_024642.5(GALNT12):c.1347C>T (p.Leu449=)

Gene: GALNT12 (polypeptide N-acetylgalactosaminyltransferase 12; plus strand). Cytogenetic location: 9q22.33.
Variant type: single nucleotide variant.
Coding change: c.1347C>T on transcript NM_024642.5 (MANE Select); coding-DNA position 1347, C replaced by T.
Protein change: p.Leu449=; no amino-acid change (leucine 449 retained).
Molecular consequence: synonymous variant.
Genome position (GRCh38, 1-based): chr9:98,844,098, C>T. VCF-style: chr9-98844098-C-T. GRCh37 (hg19) VCF-style: chr9-101606380-C-T.
Identifiers: ClinVar variation 1770500 (VCV001770500.3), dbSNP rs2490552130, ClinGen allele CA466425176.

ClinVar aggregate classification (germline): Benign/Likely benign. Review status: criteria provided, multiple submitters, no conflicts (2 of 4 stars). 2 submissions from 2 submitters: Benign (1); Likely benign (1). Last evaluated 2026-09-11.

Conditions:
Colorectal cancer, susceptibility to, 1. Also called: COLORECTAL ADENOMA AND CANCER, SUSCEPTIBILITY TO; COLORECTAL CANCER, SUSCEPTIBILITY TO, ON CHROMOSOME 9. Identifiers: MedGen C1837315, MONDO:0012132, OMIM 608812.

Submissions (2):

Myriad Genetics, Inc.
Classification: Benign for Colorectal cancer, susceptibility to, 1. Last evaluated: 2026-09-11. Review status: criteria provided, single submitter. Criteria: Myriad Autosomal Dominant, Autosomal Recessive and X-Linked Classification Criteria (2023). Collection method: clinical testing. Allele origin: unknown.
Comment: This variant is considered benign. This variant is a silent/synonymous amino acid change and it is not expected to impact splicing.

Ambry Genetics
Classification: Likely benign. Last evaluated: 2019-09-18. Review status: criteria provided, single submitter. Criteria: Ambry Variant Classification Scheme 2023. Collection method: clinical testing. Allele origin: germline.